The following is an entry in ClinVar:

NM_001458.5(FLNC):c.3587C>T (p.Ala1196Val)

Gene: FLNC (filamin C; plus strand). Cytogenetic location: 7q32.1.
Variant type: single nucleotide variant.
Coding change: c.3587C>T on transcript NM_001458.5 (MANE Select); coding-DNA position 3587, C replaced by T.
Protein change: p.Ala1196Val; replaces alanine 1196 with valine.
Molecular consequence: missense variant.
Genome position (GRCh38, 1-based): chr7:128,845,052, C>T. VCF-style: chr7-128845052-C-T. GRCh37 (hg19) VCF-style: chr7-128485106-C-T.
Other names: c.3587C>T, p.Ala1196Val (NM_001127487.2); short protein forms A1196V.
Identifiers: ClinVar variation 2941276 (VCV002941276.3), dbSNP rs2536638056, ClinGen allele CA369197297.

ClinVar aggregate classification (germline): Uncertain significance (1 of 4 stars; one submission).

Conditions:
Hypertrophic cardiomyopathy 26. Also called: Cardiomyopathy, familial hypertrophic, 26. Identifiers: Orphanet 75249, MedGen C4310749, MONDO:0014883, OMIM 617047.
Myofibrillar myopathy 5. Also called: Filaminopathy (type); FILAMINOPATHY, AUTOSOMAL DOMINANT. Identifiers: Orphanet 171445, MedGen C1836050, MONDO:0012289, OMIM 609524.
Distal myopathy with posterior leg and anterior hand involvement. Also called: WILLIAMS DISTAL MYOPATHY. Identifiers: Orphanet 63273, MedGen C3279722, MONDO:0013550, OMIM 614065.

Submission:

Labcorp Genetics (formerly Invitae), Labcorp
Classification: Uncertain significance for Distal myopathy with posterior leg and anterior hand involvement; Myofibrillar myopathy 5; Hypertrophic cardiomyopathy 26. Last evaluated: 2022-11-04. Review status: criteria provided, single submitter. Criteria: Invitae Variant Classification Sherloc (09022015). Collection method: clinical testing. Allele origin: germline.
Comment: This sequence change replaces alanine, which is neutral and non-polar, with valine, which is neutral and non-polar, at codon 1196 of the FLNC protein (p.Ala1196Val). This variant is not present in population databases (gnomAD no frequency). In summary, the available evidence is currently insufficient to determine the role of this variant in disease. Therefore, it has been classified as a Variant of Uncertain Significance. Advanced modeling of protein sequence and biophysical properties (such as structural, functional, and spatial information, amino acid conservation, physicochemical variation, residue mobility, and thermodynamic stability) has been performed at Invitae for this missense variant, however the output from this modeling did not meet the statistical confidence thresholds required to predict the impact of this variant on FLNC protein function. This variant has not been reported in the literature in individuals affected with FLNC-related conditions.